The following is an entry in ClinVar:

NM_183357.3(ADCY5):c.762G>C (p.Leu254=)

Gene: ADCY5 (adenylate cyclase 5; minus strand). Cytogenetic location: 3q21.1.
Variant type: single nucleotide variant.
Coding change: c.762G>C on transcript NM_183357.3 (MANE Select); coding-DNA position 762, G replaced by C.
Protein change: p.Leu254=; no amino-acid change (leucine 254 retained).
Molecular consequence: synonymous variant.
Genome position (GRCh38, 1-based): chr3:123,447,784, C>G on the plus strand (G>C on the coding strand, the complement: ADCY5 is on the minus strand). VCF-style: chr3-123447784-C-G. GRCh37 (hg19) VCF-style: chr3-123166631-C-G.
Other names: c.762G>C, p.Leu254= (NM_001378259.1); c.762G>C (NM_183357.2).
Identifiers: ClinVar variation 1651130 (VCV001651130.9), dbSNP rs150205216, ClinGen allele CA2577645.

ClinVar aggregate classification (germline): Benign. Review status: criteria provided, single submitter (1 of 4 stars). 2 submissions from 2 submitters: Benign (1). 1 of the submissions does not count toward it. Last evaluated 2025-10-01.

Conditions:
ADCY5-related disorder. Also called: ADCY5-related condition.

Allele frequency attached by ClinVar (database versions not stated): ExAC 0.00010; 1000 Genomes Project 30x 0.00016; 1000 Genomes Project 0.00020; TOPMed 0.00037; ESP Exome Variant Server 0.00054.
gnomAD v4.1: 114 of 1,610,790 alleles (0.0071%); highest among the groups gnomAD compares: African/African-American, 0.14%; 1 homozygote.

Submissions (2):

Labcorp Genetics (formerly Invitae), Labcorp
Classification: Benign. Last evaluated: 2025-10-01. Review status: criteria provided, single submitter. Criteria: Invitae Variant Classification Sherloc (09022015). Collection method: clinical testing. Allele origin: germline.

PreventionGenetics, part of Exact Sciences
Classification: Likely benign for ADCY5-related condition. Last evaluated: 2024-09-19. Review status: no assertion criteria provided. Collection method: clinical testing. Allele origin: germline. Not counted in ClinVar's aggregate classification.
Comment: This variant is classified as likely benign based on ACMG/AMP sequence variant interpretation guidelines (Richards et al. 2015 PMID: 25741868, with internal and published modifications).